The following is an entry in ClinVar:

ClinVar aggregate classification (germline): Uncertain significance. Review status: criteria provided, multiple submitters, no conflicts (2 of 4 stars). 2 submissions from 2 submitters: Uncertain significance (2). Last evaluated 2026-01-14.

gnomAD v4.1: 25 of 1,613,980 alleles (0.0015%); highest among the groups gnomAD compares: Non-Finnish European, 0.0019%; no homozygotes.

Submissions (2):

Labcorp Genetics (formerly Invitae), Labcorp
Classification: Uncertain significance. Last evaluated: 2026-01-14. Review status: criteria provided, single submitter. Criteria: Invitae Variant Classification Sherloc (09022015). Collection method: clinical testing. Allele origin: germline.
Comment: This sequence change replaces serine, which is neutral and polar, with leucine, which is neutral and non-polar, at codon 695 of the ATP13A3 protein (p.Ser695Leu). This variant is present in population databases (rs780256077, gnomAD 0.003%). This variant has not been reported in the literature in individuals affected with ATP13A3-related conditions. ClinVar contains an entry for this variant (Variation ID: 3455407). Invitae Evidence Modeling of protein sequence and biophysical properties (such as structural, functional, and spatial information, amino acid conservation, physicochemical variation, residue mobility, and thermodynamic stability) indicates that this missense variant is not expected to disrupt ATP13A3 protein function with a negative predictive value of 80%. In summary, the available evidence is currently insufficient to determine the role of this variant in disease. Therefore, it has been classified as a Variant of Uncertain Significance.

Ambry Genetics
Classification: Uncertain significance. Last evaluated: 2024-11-25. Review status: criteria provided, single submitter. Criteria: Ambry Variant Classification Scheme 2023. Collection method: clinical testing. Allele origin: germline.

NM_001367549.1(ATP13A3):c.2084C>T (p.Ser695Leu)

Gene: ATP13A3 (ATPase 13A3; minus strand). Cytogenetic location: 3q29.
Variant type: single nucleotide variant.
Coding change: c.2084C>T on transcript NM_001367549.1 (MANE Select); coding-DNA position 2084, C replaced by T.
Protein change: p.Ser695Leu; replaces serine 695 with leucine.
Molecular consequence: missense variant. On other transcripts: non-coding transcript variant (2).
Genome position (GRCh38, 1-based): chr3:194,437,131, G>A on the plus strand (C>T on the coding strand, the complement: ATP13A3 is on the minus strand). VCF-style: chr3-194437131-G-A. GRCh37 (hg19) VCF-style: chr3-194157860-G-A.
Other names: c.2003C>T, p.Ser668Leu (NM_001374836.1); c.2084C>T, p.Ser695Leu (NM_024524.4); short protein forms S668L, S695L.
Identifiers: ClinVar variation 3455407 (VCV003455407.2).